The following is an entry in ClinVar:

NM_000038.6(APC):c.2695A>C (p.Thr899Pro)

Gene: APC (APC regulator of Wnt signaling pathway; plus strand). Cytogenetic location: 5q22.2.
Variant type: single nucleotide variant.
Coding change: c.2695A>C on transcript NM_000038.6 (MANE Select); coding-DNA position 2695, A replaced by C.
Protein change: p.Thr899Pro; replaces threonine 899 with proline.
Molecular consequence: missense variant. On other transcripts: non-coding transcript variant (2).
Genome position (GRCh38, 1-based): chr5:112,838,289, A>C. VCF-style: chr5-112838289-A-C. GRCh37 (hg19) VCF-style: chr5-112173986-A-C.
Other names: c.2665A>C, p.Thr889Pro (NM_001407452.1); c.2518A>C, p.Thr840Pro (NM_001407453.1, NM_001354901.2); c.2446A>C, p.Thr816Pro (NM_001407454.1, NM_001407455.1, NM_001407456.1 and 1 more transcripts); c.2392A>C, p.Thr798Pro (NM_001407459.1, NM_001407460.1, NM_001407458.1 and 1 more transcripts); c.2308A>C, p.Thr770Pro (NM_001407467.1, NM_001407469.1); c.1846A>C, p.Thr616Pro (NM_001407470.1, NM_001354906.2); c.1543A>C, p.Thr515Pro (NM_001407471.1, NM_001407472.1); c.2695A>C, p.Thr899Pro (NM_001127510.3, NM_001354895.2, NM_001407450.1); and 11 more; short protein forms T515P, T616P, T739P, T770P, T773P, T798P, T808P, T816P.
Identifiers: ClinVar variation 3610107 (VCV003610107.2).
Genomic context (GRCh38, chr5:112,838,289, plus strand): 5'-CAGATCTCCACCACTGCAGCCCAGATTGCCAAAGTCATGGAAGAAGTGTCAGCCATTCAT[A>C]CCTCTCAGGAAGACAGAAGTTCTGGGTCTACCACTGAATTACATTGTGTGACAGATGAGA-3'
Protein context (NP_000029.2, residues 889-909): KVMEEVSAIH[Thr899Pro]SQEDRSSGST

ClinVar aggregate classification (germline): Uncertain significance (1 of 4 stars; one submission).

Conditions:
Familial adenomatous polyposis 1 (FAP1). Also called: FAMILIAL ADENOMATOUS POLYPOSIS 1, ATTENUATED; POLYPOSIS, ADENOMATOUS INTESTINAL. Identifiers: MedGen C2713442, MONDO:0021056, OMIM 175100. Disease mechanism: loss of function.

Submission:

Labcorp Genetics (formerly Invitae), Labcorp
Classification: Uncertain significance for Familial adenomatous polyposis 1. Last evaluated: 2024-07-19. Review status: criteria provided, single submitter. Criteria: Invitae Variant Classification Sherloc (09022015). Collection method: clinical testing. Allele origin: germline.
Comment: This sequence change replaces threonine, which is neutral and polar, with proline, which is neutral and non-polar, at codon 899 of the APC protein (p.Thr899Pro). This variant is not present in population databases (gnomAD no frequency). This variant has not been reported in the literature in individuals affected with APC-related conditions. Advanced modeling of protein sequence and biophysical properties (such as structural, functional, and spatial information, amino acid conservation, physicochemical variation, residue mobility, and thermodynamic stability) performed at Invitae indicates that this missense variant is not expected to disrupt APC protein function with a negative predictive value of 95%. In summary, the available evidence is currently insufficient to determine the role of this variant in disease. Therefore, it has been classified as a Variant of Uncertain Significance.